The following is an entry in ClinVar:

ClinVar aggregate classification (germline): Likely benign. Review status: criteria provided, multiple submitters, no conflicts (2 of 4 stars). 4 submissions from 4 submitters: Likely benign (4). Last evaluated 2026-02-01.

Conditions:
FAT1-related disorder. Also called: FAT1-related condition.

Allele frequency attached by ClinVar (database versions not stated): gnomAD 0.00060 and 0.00061; TOPMed 0.00069; gnomAD exomes 0.00106 and 0.00039; 1000 Genomes Project 0.00040; ExAC 0.00042; 1000 Genomes Project 30x 0.00047; ESP Exome Variant Server 0.00057.
gnomAD v4.1: 1,646 of 1,613,874 alleles (0.1%); highest among the groups gnomAD compares: Non-Finnish European, 0.13%; 1 homozygote.

Submissions (4):

CeGaT Center for Human Genetics Tuebingen
Classification: Likely benign. Last evaluated: 2026-02-01. Review status: criteria provided, single submitter. Criteria: CeGaT Center For Human Genetics Tuebingen Variant Classification Criteria Version 2. Collection method: clinical testing. Allele origin: germline. Affected: yes. Observed: 1 variant allele.
Comment: FAT1: BP4, BP7

Labcorp Genetics (formerly Invitae), Labcorp
Classification: Likely benign. Last evaluated: 2025-10-01. Review status: criteria provided, single submitter. Criteria: Invitae Variant Classification Sherloc (09022015). Collection method: clinical testing. Allele origin: germline.

PreventionGenetics, part of Exact Sciences
Classification: Likely benign for FAT1-related condition. Last evaluated: 2025-07-02. Review status: criteria provided, single submitter. Criteria: ACMG Guidelines, 2015. Collection method: clinical testing. Allele origin: germline.
Comment: This variant is classified as likely benign based on ACMG/AMP sequence variant interpretation guidelines (Richards et al. 2015 PMID: 25741868, with internal and published modifications).

Blueprint Genetics
Classification: Likely benign. Last evaluated: 2024-11-18. Review status: criteria provided, single submitter. Criteria: ACMG Guidelines, 2015. Collection method: clinical testing. Allele origin: germline.

NM_005245.4(FAT1):c.10077C>T (p.Ala3359=)

Gene: FAT1 (FAT atypical cadherin 1; minus strand). Cytogenetic location: 4q35.2.
Variant type: single nucleotide variant.
Coding change: c.10077C>T on transcript NM_005245.4 (MANE Select); coding-DNA position 10077, C replaced by T.
Protein change: p.Ala3359=; no amino-acid change (alanine 3359 retained).
Molecular consequence: synonymous variant.
Genome position (GRCh38, 1-based): chr4:186,609,312, G>A on the plus strand (C>T on the coding strand, the complement: FAT1 is on the minus strand). VCF-style: chr4-186609312-G-A. GRCh37 (hg19) VCF-style: chr4-187530466-G-A.
Identifiers: ClinVar variation 730164 (VCV000730164.15), dbSNP rs200471853, ClinGen allele CA3165479.